The following is an entry in ClinVar:

ClinVar aggregate classification (germline): Pathogenic/Likely pathogenic. Review status: criteria provided, multiple submitters, no conflicts (2 of 4 stars). 2 submissions from 2 submitters: Pathogenic (1); Likely pathogenic (1). Last evaluated 2024-07-17.

Conditions:
ERCC2-related disorder. Also called: ERCC2-related disorders; ERCC2-related conditions; ERCC2-related condition. Identifiers: MedGen CN239291.
Cerebrooculofacioskeletal syndrome 2 (COFS2). Identifiers: MedGen C1853102, MONDO:0012553, OMIM 610756.

Allele frequency attached by ClinVar (database versions not stated): ExAC 0.00001; gnomAD exomes below 0.00001.

Submissions (2):

Myriad Genetics, Inc.
Classification: Pathogenic for ERCC2-related disorder. Last evaluated: 2024-07-17. Review status: criteria provided, single submitter. Criteria: Myriad Autosomal Dominant, Autosomal Recessive and X-Linked Classification Criteria (2023). Collection method: clinical testing. Allele origin: unknown.
Comment: NM_000400.3(ERCC2):c.1655G>A(W552*) is expected to be pathogenic in the context of ERCC2-related disorders. This variant is predicted to lead to an abnormal or absent protein product due to the creation of a premature termination codon in ERCC2, a gene where loss-of-function variants are known to be pathogenic. Please note: this variant was assessed in the context of healthy population screening.

Baylor Genetics
Classification: Likely pathogenic for Cerebrooculofacioskeletal syndrome 2. Last evaluated: 2023-03-28. Review status: criteria provided, single submitter. Criteria: ACMG Guidelines, 2015. Collection method: clinical testing. Allele origin: unknown.

NM_000400.4(ERCC2):c.1655G>A (p.Trp552Ter)

Gene: ERCC2 (ERCC excision repair 2, TFIIH core complex helicase subunit; minus strand). Cytogenetic location: 19q13.32.
Variant type: single nucleotide variant.
Coding change: c.1655G>A on transcript NM_000400.4 (MANE Select); coding-DNA position 1655, G replaced by A.
Protein change: p.Trp552Ter; replaces tryptophan 552 with a stop codon.
Molecular consequence: nonsense.
Genome position (GRCh38, 1-based): chr19:45,354,740, C>T on the plus strand (G>A on the coding strand, the complement: ERCC2 is on the minus strand). VCF-style: chr19-45354740-C-T. GRCh37 (hg19) VCF-style: chr19-45857998-C-T.
Other names: short protein forms W552*.
Identifiers: ClinVar variation 2675058 (VCV002675058.2), dbSNP rs756781264, ClinGen allele CA9513173.